The following is an entry in ClinVar:

ClinVar aggregate classification (germline): Uncertain significance. Review status: criteria provided, multiple submitters, no conflicts (2 of 4 stars). 5 submissions from 5 submitters: Uncertain significance (4). 1 of the submissions does not count toward it. Last evaluated 2025-01-15.

Conditions:
Familial long QT syndrome (RWS). Also called: Congenital long QT syndrome; Romano-Ward syndrome; VENTRICULAR FIBRILLATION WITH PROLONGED QT INTERVAL. Identifiers: Orphanet 768, MedGen C1141890, MONDO:0019171.
Long QT syndrome (LQTS). Identifiers: MedGen C0023976, MeSH D008133, MONDO:0002442. Disease mechanism: loss of function. Inheritance: Various modes of inheritance.

Allele frequency attached by ClinVar (database versions not stated): TOPMed 0.00001; gnomAD exomes 0.00001; gnomAD 0.00001; ExAC 0.00002.
gnomAD v4.1: 39 of 1,613,720 alleles (0.0024%); highest among the groups gnomAD compares: South Asian, 0.011%; no homozygotes.

Submissions (5):

Labcorp Genetics (formerly Invitae), Labcorp
Classification: Uncertain significance for Long QT syndrome. Last evaluated: 2025-01-15. Review status: criteria provided, single submitter. Criteria: Invitae Variant Classification Sherloc (09022015). Collection method: clinical testing. Allele origin: germline.
Comment: This sequence change replaces glutamic acid, which is acidic and polar, with lysine, which is basic and polar, at codon 385 of the KCNQ1 protein (p.Glu385Lys). This variant is present in population databases (rs199473473, gnomAD 0.01%). This missense change has been observed in individual(s) with long QT syndrome or suspected long QT syndrome (PMID: 19716085, 22429796). ClinVar contains an entry for this variant (Variation ID: 67017). Invitae Evidence Modeling of protein sequence and biophysical properties (such as structural, functional, and spatial information, amino acid conservation, physicochemical variation, residue mobility, and thermodynamic stability) has been performed for this missense variant. However, the output from this modeling did not meet the statistical confidence thresholds required to predict the impact of this variant on KCNQ1 protein function. In summary, the available evidence is currently insufficient to determine the role of this variant in disease. Therefore, it has been classified as a Variant of Uncertain Significance.

GeneDx
Classification: Uncertain significance. Last evaluated: 2024-12-02. Review status: criteria provided, single submitter. Criteria: GeneDx Variant Classification Process June 2021. Collection method: clinical testing. Allele origin: germline.
Comment: Not observed at significant frequency in large population cohorts (gnomAD); In silico analysis supports that this missense variant has a deleterious effect on protein structure/function; This variant is associated with the following publications: (PMID: 19716085, 22429796)

Blueprint Genetics
Classification: Uncertain significance. Last evaluated: 2024-11-07. Review status: criteria provided, single submitter. Criteria: ACMG Guidelines, 2015. Collection method: clinical testing. Allele origin: germline.

CeGaT Center for Human Genetics Tuebingen
Classification: Uncertain significance. Last evaluated: 2022-08-01. Review status: criteria provided, single submitter. Criteria: CeGaT Center For Human Genetics Tuebingen Variant Classification Criteria Version 2. Collection method: clinical testing. Allele origin: germline. Affected: yes. Observed: 2 variant alleles.
Comment: KCNQ1: PM2:Supporting, PP3, PS4:Supporting

Cardiovascular Biomedical Research Unit, Royal Brompton & Harefield NHS Foundation Trust
No classification provided. Condition: Familial long QT syndrome. Review status: no classification provided. Collection method: literature only. Allele origin: germline. Not counted in ClinVar's aggregate classification.
Comment: This variant has been reported as associated with Long QT syndrome in the following publications (PMID:19716085;PMID:22429796). This is a literature report, and does not necessarily reflect the clinical interpretation of the Imperial College / Royal Brompton Cardiovascular Genetics laboratory.

Literature cited by the submitters: PubMed 19716085 (cited by Labcorp Genetics (formerly Invitae), Labcorp and Cardiovascular Biomedical Research Unit, Royal Brompton & Harefield NHS Foundation Trust); PubMed 22429796 (cited by Labcorp Genetics (formerly Invitae), Labcorp and Cardiovascular Biomedical Research Unit, Royal Brompton & Harefield NHS Foundation Trust); PubMed 22581653 (cited by Cardiovascular Biomedical Research Unit, Royal Brompton & Harefield NHS Foundation Trust).

NM_000218.3(KCNQ1):c.1153G>A (p.Glu385Lys)

Gene: KCNQ1 (potassium voltage-gated channel subfamily Q member 1; plus strand). Cytogenetic location: 11p15.5.
Variant type: single nucleotide variant.
Coding change: c.1153G>A on transcript NM_000218.3 (MANE Select); coding-DNA position 1153, G replaced by A.
Protein change: p.Glu385Lys; replaces glutamic acid 385 with lysine.
Molecular consequence: missense variant.
Genome position (GRCh38, 1-based): chr11:2,587,594, G>A. VCF-style: chr11-2587594-G-A. GRCh37 (hg19) VCF-style: chr11-2608824-G-A.
Other names: c.1153G>A (LRG_287t1); c.1057G>A, p.Glu353Lys (NM_001406836.1); c.883G>A, p.Glu295Lys (NM_001406837.1); c.613G>A, p.Glu205Lys (NM_001406838.1); c.772G>A, p.Glu258Lys (NM_181798.2); short protein forms E385K, E258K, E295K, E353K, E205K.
Identifiers: ClinVar variation 67017 (VCV000067017.45), dbSNP rs199473473, ClinGen allele CA005418.
Genomic context (GRCh38, chr11:2,587,594, plus strand): 5'-CAGCAGGTGACAGCCTGTCCCCCTGCCCGACCTCAGACCGCATGGAGGTGCTATGCTGCC[G>A]AGAACCCCGACTCCTCCACCTGGAAGATCTACATCCGGAAGGCCCCCCGGAGCCACACTC-3'
Protein context (NP_000209.2, residues 375-395): IQTAWRCYAA[Glu385Lys]NPDSSTWKIY